The following is an entry in ClinVar:

NM_001384140.1(PCDH15):c.2119G>A (p.Val707Met)

Gene: PCDH15 (protocadherin related 15; minus strand). Cytogenetic location: 10q21.1.
Variant type: single nucleotide variant.
Coding change: c.2119G>A on transcript NM_001384140.1 (MANE Select); coding-DNA position 2119, G replaced by A.
Protein change: p.Val707Met; replaces valine 707 with methionine.
Molecular consequence: missense variant.
Genome position (GRCh38, 1-based): chr10:54,066,858, C>T on the plus strand (G>A on the coding strand, the complement: PCDH15 is on the minus strand). VCF-style: chr10-54066858-C-T. GRCh37 (hg19) VCF-style: chr10-55826618-C-T.
Other names: c.2134G>A, p.Val712Met (NM_001142763.2, NM_001142771.2); c.2119G>A, p.Val707Met (NM_001142764.2, NM_001142766.2, NM_001142770.3 and 5 more transcripts); c.1906G>A, p.Val636Met (NM_001142765.2); c.2008G>A, p.Val670Met (NM_001142767.2); c.2053G>A, p.Val685Met (NM_001142768.2, NM_001142773.2, NM_001354404.2); c.2155G>A, p.Val719Met (NM_001142769.4); c.2140G>A, p.Val714Met (NM_001354411.2); short protein forms V636M, V670M, V685M, V707M, V712M, V714M, V719M.
Identifiers: ClinVar variation 1723063 (VCV001723063.2), dbSNP rs2539768252, ClinGen allele CA376517356.

ClinVar aggregate classification (germline): Uncertain significance (1 of 4 stars; one submission).

Submission:

GeneDx
Classification: Uncertain significance. Last evaluated: 2022-05-04. Review status: criteria provided, single submitter. Criteria: GeneDx Variant Classification Process June 2021. Collection method: clinical testing. Allele origin: germline. Affected: yes.
Comment: Not observed at significant frequency in large population cohorts (gnomAD); In silico analysis supports that this missense variant does not alter protein structure/function; Has not been previously published as pathogenic or benign to our knowledge